The following is an entry in ClinVar:

ClinVar aggregate classification (germline): Uncertain significance (1 of 4 stars; one submission).

Submission:

Labcorp Genetics (formerly Invitae), Labcorp
Classification: Uncertain significance. Last evaluated: 2025-03-13. Review status: criteria provided, single submitter. Criteria: Invitae Variant Classification Sherloc (09022015). Collection method: clinical testing. Allele origin: germline.
Comment: This sequence change replaces methionine, which is neutral and non-polar, with isoleucine, which is neutral and non-polar, at codon 1095 of the TAOK2 protein (p.Met1095Ile). This variant is not present in population databases (gnomAD no frequency). This variant has not been reported in the literature in individuals affected with TAOK2-related conditions. An algorithm developed to predict the effect of missense changes on protein structure and function (PolyPhen-2) suggests that this variant is likely to be tolerated. In summary, the available evidence is currently insufficient to determine the role of this variant in disease. Therefore, it has been classified as a Variant of Uncertain Significance.

NM_016151.4(TAOK2):c.3285G>A (p.Met1095Ile)

Gene: TAOK2 (TAO kinase 2; plus strand). Cytogenetic location: 16p11.2.
Variant type: single nucleotide variant.
Coding change: c.3285G>A on transcript NM_016151.4 (MANE Select); coding-DNA position 3285, G replaced by A.
Protein change: p.Met1095Ile; replaces methionine 1095 with isoleucine.
Molecular consequence: missense variant. On other transcripts: intron variant (1).
Genome position (GRCh38, 1-based): chr16:29,987,557, G>A. VCF-style: chr16-29987557-G-A. GRCh37 (hg19) VCF-style: chr16-29998878-G-A.
Other names: c.2946G>A, p.Met982Ile (NM_001252043.2); c.2232+1053G>A (NM_004783.4); short protein forms M982I, M1095I.
Identifiers: ClinVar variation 3696795 (VCV003696795.2).